The following is an entry in ClinVar:

NM_201631.4(TGM5):c.1970T>C (p.Val657Ala)

Gene: TGM5 (transglutaminase 5; minus strand). Cytogenetic location: 15q15.2.
Variant type: single nucleotide variant.
Coding change: c.1970T>C on transcript NM_201631.4 (MANE Select); coding-DNA position 1970, T replaced by C.
Protein change: p.Val657Ala; replaces valine 657 with alanine.
Molecular consequence: missense variant.
Genome position (GRCh38, 1-based): chr15:43,233,593, A>G on the plus strand (T>C on the coding strand, the complement: TGM5 is on the minus strand). VCF-style: chr15-43233593-A-G. GRCh37 (hg19) VCF-style: chr15-43525791-A-G.
Other names: c.1724T>C, p.Val575Ala (NM_004245.4); short protein forms V575A, V657A.
Identifiers: ClinVar variation 887461 (VCV000887461.25), dbSNP rs80058195, ClinGen allele CA7520833.

ClinVar aggregate classification (germline): Benign. Review status: criteria provided, multiple submitters, no conflicts (2 of 4 stars). 4 submissions from 4 submitters: Benign (3). 1 of the submissions does not count toward it. Last evaluated 2025-10-01.

Conditions:
TGM5-related disorder. Also called: TGM5-related condition.
Acral peeling skin syndrome. Also called: Peeling skin syndrome 2. Identifiers: Orphanet 263534, MedGen C1853354, MONDO:0012345, OMIM 609796.

Allele frequency attached by ClinVar (database versions not stated): gnomAD exomes 0.00078 and 0.00222; ExAC 0.00285; 1000 Genomes Project 0.00759; 1000 Genomes Project 30x 0.00812; gnomAD 0.00894 and 0.00967; TOPMed 0.00991; ESP Exome Variant Server 0.01069.
gnomAD v4.1: 2,548 of 1,614,216 alleles (0.16%); highest among the groups gnomAD compares: African/African-American, 3.1%; 39 homozygotes.

Submissions (4):

CeGaT Center for Human Genetics Tuebingen
Classification: Benign. Last evaluated: 2025-10-01. Review status: criteria provided, single submitter. Criteria: CeGaT Center For Human Genetics Tuebingen Variant Classification Criteria Version 2. Collection method: clinical testing. Allele origin: germline. Affected: yes. Observed: 2 variant alleles.
Comment: TGM5: BP4, BS1, BS2

Illumina Laboratory Services, Illumina
Classification: Benign for Acral peeling skin syndrome. Last evaluated: 2017-04-28. Review status: criteria provided, single submitter. Criteria: ICSL Variant Classification Criteria 13 December 2019. Collection method: clinical testing. Allele origin: germline.
Comment: This variant was observed as part of a predisposition screen in an ostensibly healthy population. A literature search was performed for the gene, cDNA change, and amino acid change (where applicable). Publications were found based on this search. The evidence from the literature, in combination with allele frequency data from public databases where available, was sufficient to rule this variant out of causing disease. Therefore, this variant is classified as benign.

Breakthrough Genomics
Classification: Benign. Review status: criteria provided, single submitter. Criteria: ACMG Guidelines, 2015. Collection method: not provided. Allele origin: germline. Inheritance: Autosomal recessive inheritance. Affected: yes.

PreventionGenetics, part of Exact Sciences
Classification: Benign for TGM5-related condition. Last evaluated: 2024-03-04. Review status: no assertion criteria provided. Collection method: clinical testing. Allele origin: germline. Not counted in ClinVar's aggregate classification.
Comment: This variant is classified as benign based on ACMG/AMP sequence variant interpretation guidelines (Richards et al. 2015 PMID: 25741868, with internal and published modifications).

Literature cited by the submitters: PubMed 26925801 (cited by Illumina Laboratory Services, Illumina); PubMed 26091878 (cited by Illumina Laboratory Services, Illumina).